The following is an entry in ClinVar:

ClinVar aggregate classification (germline): Uncertain significance (1 of 4 stars; one submission).

Conditions:
Primary dilated cardiomyopathy (DCM). Also called: Dilated Cardiomyopathy. Identifiers: Orphanet 217604, MedGen C0007193, MeSH D002311, MONDO:0005021, HP:0001644. Inheritance: Various modes of inheritance.

Submission:

Labcorp Genetics (formerly Invitae), Labcorp
Classification: Uncertain significance for Primary dilated cardiomyopathy. Last evaluated: 2024-08-01. Review status: criteria provided, single submitter. Criteria: Invitae Variant Classification Sherloc (09022015). Collection method: clinical testing. Allele origin: germline.
Comment: This sequence change replaces glutamine, which is neutral and polar, with arginine, which is basic and polar, at codon 179 of the FHL2 protein (p.Gln179Arg). This variant is not present in population databases (gnomAD no frequency). This variant has not been reported in the literature in individuals affected with FHL2-related conditions. Advanced modeling of protein sequence and biophysical properties (such as structural, functional, and spatial information, amino acid conservation, physicochemical variation, residue mobility, and thermodynamic stability) performed at Invitae indicates that this missense variant is not expected to disrupt FHL2 protein function with a negative predictive value of 80%. In summary, the available evidence is currently insufficient to determine the role of this variant in disease. Therefore, it has been classified as a Variant of Uncertain Significance.

NM_001318895.3(FHL2):c.536A>G (p.Gln179Arg)

Genes: C2orf49 (chromosome 2 open reading frame 49; plus strand), FHL2 (four and a half LIM domains 2; minus strand). Cytogenetic location: 2q12.2.
Variant type: single nucleotide variant.
Coding change: c.536A>G on transcript NM_001318895.3 (MANE Select); coding-DNA position 536, A replaced by G.
Protein change: p.Gln179Arg; replaces glutamine 179 with arginine.
Molecular consequence: missense variant.
Genome position (GRCh38, 1-based): chr2:105,363,437, T>C on the plus strand (A>G on the coding strand, the complement: FHL2 is on the minus strand). VCF-style: chr2-105363437-T-C. GRCh37 (hg19) VCF-style: chr2-105979894-T-C.
Other names: c.536A>G, p.Gln179Arg (NM_001039492.3, NM_001318894.1, NM_001318896.2 and 4 more transcripts); c.194A>G, p.Gln65Arg (NM_001318897.2, NM_001318898.2); c.212A>G, p.Gln71Arg (NM_001318899.2); short protein forms Q71R, Q65R, Q179R.
Identifiers: ClinVar variation 3661152 (VCV003661152.2).